The following is an entry in ClinVar:

ClinVar aggregate classification (germline): Likely pathogenic (1 of 4 stars; one submission).

Conditions:
Congenital myotonia, autosomal dominant form (THD). Also called: THOMSEN DISEASE; Myotonia congenita autosomal dominant. Identifiers: Orphanet 614, MedGen C2936781, MONDO:0008055, OMIM 160800.
Congenital myotonia, autosomal recessive form. Also called: Becker Generalized Myotonia; myotonia congenita, autosomal recessive; BECKER DISEASE. Identifiers: Orphanet 614, MedGen C0751360, MONDO:0009715, OMIM 255700.

gnomAD v4.1: 1 of 1,613,040 alleles (0.000062%); highest among the groups gnomAD compares: South Asian, 0.0011%; no homozygotes.

Submission:

Labcorp Genetics (formerly Invitae), Labcorp
Classification: Likely pathogenic for Congenital myotonia, autosomal recessive form; Congenital myotonia, autosomal dominant form. Last evaluated: 2024-02-13. Review status: criteria provided, single submitter. Criteria: Invitae Variant Classification Sherloc (09022015). Collection method: clinical testing. Allele origin: germline.
Comment: This sequence change replaces glycine, which is neutral and non-polar, with arginine, which is basic and polar, at codon 416 of the CLCN1 protein (p.Gly416Arg). This variant is present in population databases (rs777400211, gnomAD 0.003%). This variant has not been reported in the literature in individuals affected with CLCN1-related conditions. Advanced modeling of protein sequence and biophysical properties (such as structural, functional, and spatial information, amino acid conservation, physicochemical variation, residue mobility, and thermodynamic stability) performed at Invitae indicates that this missense variant is expected to disrupt CLCN1 protein function with a positive predictive value of 95%. This variant disrupts the p.Gly416 amino acid residue in CLCN1. Other variant(s) that disrupt this residue have been determined to be pathogenic (PMID: 22094069). This suggests that this residue is clinically significant, and that variants that disrupt this residue are likely to be disease-causing. In summary, the currently available evidence indicates that the variant is pathogenic, but additional data are needed to prove that conclusively. Therefore, this variant has been classified as Likely Pathogenic.

Literature cited by the submitters: PubMed 22094069.

NM_000083.3(CLCN1):c.1246G>A (p.Gly416Arg)

Gene: CLCN1 (chloride voltage-gated channel 1; plus strand). Cytogenetic location: 7q34.
Variant type: single nucleotide variant.
Coding change: c.1246G>A on transcript NM_000083.3 (MANE Select); coding-DNA position 1246, G replaced by A.
Protein change: p.Gly416Arg; replaces glycine 416 with arginine.
Molecular consequence: missense variant. On other transcripts: non-coding transcript variant (1).
Genome position (GRCh38, 1-based): chr7:143,332,498, G>A. VCF-style: chr7-143332498-G-A. GRCh37 (hg19) VCF-style: chr7-143029591-G-A.
Other names: short protein forms G416R.
Identifiers: ClinVar variation 3752194 (VCV003752194.2).